The following is an entry in ClinVar:

ClinVar aggregate classification (germline): Conflicting classifications of pathogenicity. Review status: criteria provided, conflicting classifications (1 of 4 stars). 2 submissions from 1 submitter: Pathogenic (1); Uncertain significance (1). Last evaluated 2023-12-11.

Conditions:
Rolandic epilepsy, impaired intellectual development, and speech dyspraxia, X-linked. Also called: Rolandic epilepsy, intellectual disability, and speech dyspraxia, X-linked; Rolandic epilepsy, impaired intellectual development, and speech dyspraxia. Identifiers: MedGen C1845070, MONDO:0010388, OMIM 300643.
Developmental and epileptic encephalopathy, 9 (DEE9). Also called: Early infantile epileptic encephalopathy 9; EPILEPSY, FEMALE-RESTRICTED, WITH MENTAL RETARDATION; JUBERG-HELLMAN SYNDROME; PCDH19-Related X-Linked Female-Limited Epilepsy with Mental Retardation. Identifiers: Orphanet 101039, Orphanet 2076, MedGen C1848137, MONDO:0010246, OMIM 300088. Disease mechanism: loss of function.

Submissions (2):

Labcorp Genetics (formerly Invitae), Labcorp
Classification: Uncertain significance for Rolandic epilepsy, impaired intellectual development, and speech dyspraxia, X-linked. Last evaluated: 2023-12-11. Review status: criteria provided, single submitter. Criteria: Invitae Variant Classification Sherloc (09022015). Collection method: clinical testing. Allele origin: unknown.
Comment: A gross deletion of the genomic region encompassing the full coding sequence of the SRPX2 gene has been identified. The current clinical and genetic evidence is not sufficient to establish whether loss-of-function variants in SRPX2 cause disease. The boundaries of this event are unknown as they extend beyond the assayed region for this gene and therefore may encompass additional genes. Isolated whole-gene deletions of SRPX2 have not been reported in the literature. However, larger copy number events that include this gene have been reported (PMID: 21053371, 22091964, 23712037). In summary, the available evidence is currently insufficient to determine the role of this variant in disease. Therefore, it has been classified as a Variant of Uncertain Significance.

Labcorp Genetics (formerly Invitae), Labcorp
Classification: Pathogenic for Early infantile epileptic encephalopathy 9. Last evaluated: 2019-11-18. Review status: criteria provided, single submitter. Criteria: Invitae Variant Classification Sherloc (09022015). Collection method: clinical testing. Allele origin: germline.
Comment: A gross deletion of the genomic region encompassing the full coding sequence of the PCDH19 gene has been identified. The boundaries of this event are unknown as the deletion extends beyond the assayed region for this gene and therefore may encompass additional genes. Whole gene deletions of PCDH19 have been observed in individuals affected with epileptic encephalopathy (PMID: 27179713, 29377098, 23712037) and have been observed to be de novo in several of these individuals (PMID: 29377098, 23712037). Loss-of-function variants in PCDH19 are known to be pathogenic (PMID: 21053371). For these reasons, this variant has been classified as Pathogenic.

Literature cited by the submitters: PubMed 21053371; PubMed 22091964; PubMed 23712037; PubMed 29377098; PubMed 27179713.

NC_000023.10:g.(?_99551255)_(99926004_?)del

Genes: PCDH19 (protocadherin 19; minus strand), SRPX2 (sushi repeat containing protein X-linked 2; plus strand), TNMD (tenomodulin; plus strand), TSPAN6 (tetraspanin 6; minus strand). Cytogenetic location: Xq22.1.
Variant type: Deletion.
Identifiers: ClinVar variation 465294 (VCV000465294.4).